The following is an entry in ClinVar:

ClinVar aggregate classification (germline): Uncertain significance (1 of 4 stars; one submission).

Conditions:
Neurofibromatosis, type 1 (NF1). Also called: VON RECKLINGHAUSEN DISEASE; Peripheral type neurofibromatosis; NEUROFIBROMATOSIS, TYPE I, SOMATIC; Neurofibromatosis, type I. Identifiers: Orphanet 636, MedGen C0027831, MONDO:0018975, OMIM 162200. Disease mechanism: loss of function.

Submission:

Labcorp Genetics (formerly Invitae), Labcorp
Classification: Uncertain significance for Neurofibromatosis, type 1. Last evaluated: 2025-03-17. Review status: criteria provided, single submitter. Criteria: Invitae Variant Classification Sherloc (09022015). Collection method: clinical testing. Allele origin: germline.
Comment: This sequence change replaces glutamine, which is neutral and polar, with glutamic acid, which is acidic and polar, at codon 1070 of the NF1 protein (p.Gln1070Glu). This variant is not present in population databases (gnomAD no frequency). This variant has not been reported in the literature in individuals affected with NF1-related conditions. Invitae Evidence Modeling of protein sequence and biophysical properties (such as structural, functional, and spatial information, amino acid conservation, physicochemical variation, residue mobility, and thermodynamic stability) indicates that this missense variant is expected to disrupt NF1 protein function with a positive predictive value of 95%. In summary, the available evidence is currently insufficient to determine the role of this variant in disease. Therefore, it has been classified as a Variant of Uncertain Significance.

NM_001042492.3(NF1):c.3208C>G (p.Gln1070Glu)

Gene: NF1 (neurofibromin 1; plus strand). Cytogenetic location: 17q11.2.
Variant type: single nucleotide variant.
Coding change: c.3208C>G on transcript NM_001042492.3 (MANE Select); coding-DNA position 3208, C replaced by G.
Protein change: p.Gln1070Glu; replaces glutamine 1070 with glutamic acid.
Molecular consequence: missense variant.
Genome position (GRCh38, 1-based): chr17:31,232,083, C>G. VCF-style: chr17-31232083-C-G. GRCh37 (hg19) VCF-style: chr17-29559101-C-G.
Other names: c.3208C>G, p.Gln1070Glu (NM_000267.4); short protein forms Q1070E.
Identifiers: ClinVar variation 3634528 (VCV003634528.2).